The following is an entry in ClinVar:

ClinVar aggregate classification (germline): Uncertain significance (1 of 4 stars; one submission).

Conditions:
Autoimmune lymphoproliferative syndrome, type III caused by mutation in PRKCD. Identifiers: Orphanet 3261, Orphanet 664711, MedGen C3809928, MONDO:8000024, OMIM 615559.

Allele frequency attached by ClinVar (database versions not stated): ESP Exome Variant Server 0.00008; gnomAD exomes below 0.00001; TOPMed 0.00001.
gnomAD v4.1: 1 of 1,614,212 alleles (0.000062%); highest among the groups gnomAD compares: African/African-American, 0.0013%; no homozygotes.

Submission:

Labcorp Genetics (formerly Invitae), Labcorp
Classification: Uncertain significance for Autoimmune lymphoproliferative syndrome, type III caused by mutation in PRKCD. Last evaluated: 2022-03-19. Review status: criteria provided, single submitter. Criteria: Invitae Variant Classification Sherloc (09022015). Collection method: clinical testing. Allele origin: germline.
Comment: In summary, the available evidence is currently insufficient to determine the role of this variant in disease. Therefore, it has been classified as a Variant of Uncertain Significance. Algorithms developed to predict the effect of missense changes on protein structure and function are either unavailable or do not agree on the potential impact of this missense change (SIFT: "Deleterious"; PolyPhen-2: "Possibly Damaging"; Align-GVGD: "Class C0"). ClinVar contains an entry for this variant (Variation ID: 849910). This variant has not been reported in the literature in individuals affected with PRKCD-related conditions. This variant is not present in population databases (gnomAD no frequency). This sequence change replaces isoleucine, which is neutral and non-polar, with threonine, which is neutral and polar, at codon 153 of the PRKCD protein (p.Ile153Thr).

NM_006254.4(PRKCD):c.458T>C (p.Ile153Thr)

Gene: PRKCD (protein kinase C delta; plus strand). Cytogenetic location: 3p21.1.
Variant type: single nucleotide variant.
Coding change: c.458T>C on transcript NM_006254.4 (MANE Select); coding-DNA position 458, T replaced by C.
Protein change: p.Ile153Thr; replaces isoleucine 153 with threonine.
Molecular consequence: missense variant.
Genome position (GRCh38, 1-based): chr3:53,181,525, T>C. VCF-style: chr3-53181525-T-C. GRCh37 (hg19) VCF-style: chr3-53215541-T-C.
Other names: c.458T>C, p.Ile153Thr (NM_001316327.2, NM_001354679.2, NM_001354680.2 and 1 more transcripts); c.515T>C, p.Ile172Thr (NM_001354676.2); c.506T>C, p.Ile169Thr (NM_001354678.2); short protein forms I153T, I172T, I169T.
Identifiers: ClinVar variation 849910 (VCV000849910.5), dbSNP rs370103982, ClinGen allele CA74849520.